The following is an entry in ClinVar:

ClinVar aggregate classification (germline): Pathogenic (1 of 4 stars; one submission).

Conditions:
Propionic acidemia (PROP). Also called: GLYCINEMIA, KETOTIC; HYPERGLYCINEMIA WITH KETOACIDOSIS AND LEUKOPENIA; KETOTIC HYPERGLYCINEMIA. Identifiers: Orphanet 35, MedGen C0268579, MONDO:0011628, OMIM 606054, HP:0003571.

Submission:

Labcorp Genetics (formerly Invitae), Labcorp
Classification: Pathogenic for Propionic acidemia. Last evaluated: 2023-10-17. Review status: criteria provided, single submitter. Criteria: Invitae Variant Classification Sherloc (09022015). Collection method: clinical testing. Allele origin: germline.
Comment: This sequence change affects a donor splice site in intron 13 of the PCCB gene. It is expected to disrupt RNA splicing. Variants that disrupt the donor or acceptor splice site typically lead to a loss of protein function (PMID: 16199547), and loss-of-function variants in PCCB are known to be pathogenic (PMID: 15464417). This variant is not present in population databases (gnomAD no frequency). Disruption of this splice site has been observed in individual(s) with propionic acidemia (PMID: 32252659). In at least one individual the data is consistent with being in trans (on the opposite chromosome) from a pathogenic variant. Algorithms developed to predict the effect of sequence changes on RNA splicing suggest that this variant may disrupt the consensus splice site. For these reasons, this variant has been classified as Pathogenic.

Literature cited by the submitters: PubMed 16199547; PubMed 15464417; PubMed 32252659.

NM_000532.5(PCCB):c.1398+1G>A

Gene: PCCB (propionyl-CoA carboxylase subunit beta; plus strand). Cytogenetic location: 3q22.3.
Variant type: single nucleotide variant.
Coding change: c.1398+1G>A on transcript NM_000532.5 (MANE Select); the canonical splice donor site of the intron after coding-DNA position 1398, G replaced by A.
Molecular consequence: splice donor variant.
Genome position (GRCh38, 1-based): chr3:136,327,733, G>A. VCF-style: chr3-136327733-G-A. GRCh37 (hg19) VCF-style: chr3-136046575-G-A.
Other names: c.1458+1G>A (NM_001178014.2).
Identifiers: ClinVar variation 2982234 (VCV002982234.3), dbSNP rs794727092, ClinGen allele CA354649532.